The following is an entry in ClinVar:

NM_001044385.3(TMEM237):c.*1107C>T

Gene: TMEM237 (transmembrane protein 237; minus strand). Cytogenetic location: 2q33.1.
Variant type: single nucleotide variant.
Coding change: c.*1107C>T on transcript NM_001044385.3 (MANE Select); 1107 bases downstream of the stop codon, C replaced by T.
Molecular consequence: 3 prime UTR variant.
Genome position (GRCh38, 1-based): chr2:201,623,148, G>A on the plus strand (C>T on the coding strand, the complement: TMEM237 is on the minus strand). VCF-style: chr2-201623148-G-A. GRCh37 (hg19) VCF-style: chr2-202487871-G-A.
Other names: c.*1107C>T (NM_152388.4).
Identifiers: ClinVar variation 333552 (VCV000333552.5), dbSNP rs143516209, ClinGen allele CA10612423.
Genomic context (GRCh38, chr2:201,623,148, plus strand): 5'-GCAAAAGAGATTCCCAGTATAATGTTCACTCCAAATTTAGACCTATTGTCAGGGTCAACT[G>A]TCTCTATCATCAATTTGTCAATCCTCTTCTGTTCTATAACATTCAGGTGCTTGCTAATCA-3'

ClinVar aggregate classification (germline): Likely benign (1 of 4 stars; one submission).

Conditions:
Joubert syndrome 14 (JBTS14). Identifiers: MedGen C3280766, MONDO:0013745, OMIM 614424.

Allele frequency attached by ClinVar (database versions not stated): gnomAD exomes 0.00047; gnomAD 0.00399 and 0.00417; TOPMed 0.00445; 1000 Genomes Project 0.00499; 1000 Genomes Project 30x 0.00562.
gnomAD v4.1: 657 of 262,042 alleles (0.25%); highest among the groups gnomAD compares: African/African-American, 1.3%; 4 homozygotes.

Submission:

Illumina Laboratory Services, Illumina
Classification: Likely benign for Joubert syndrome 14. Last evaluated: 2018-01-12. Review status: criteria provided, single submitter. Criteria: ICSL Variant Classification Criteria 13 December 2019. Collection method: clinical testing. Allele origin: germline.
Comment: This variant was observed in the ICSL laboratory as part of a predisposition screen in an ostensibly healthy population. It had not been previously curated by ICSL or reported in the Human Gene Mutation Database (HGMD: prior to June 1st, 2018), and was therefore a candidate for classification through an automated scoring system. Utilizing variant allele frequency, disease prevalence and penetrance estimates, and inheritance mode, an automated score was calculated to assess if this variant is too frequent to cause the disease. Based on the score and internal cut-off values, a variant classified as likely benign is not then subjected to further curation. The score for this variant resulted in a classification of likely benign for this disease.